The following is an entry in ClinVar:

NM_018238.4(AGK):c.1078G>A (p.Val360Met)

Gene: AGK (acylglycerol kinase; plus strand). Cytogenetic location: 7q34.
Variant type: single nucleotide variant.
Coding change: c.1078G>A on transcript NM_018238.4 (MANE Select); coding-DNA position 1078, G replaced by A.
Protein change: p.Val360Met; replaces valine 360 with methionine.
Molecular consequence: missense variant.
Genome position (GRCh38, 1-based): chr7:141,651,556, G>A. VCF-style: chr7-141651556-G-A. GRCh37 (hg19) VCF-style: chr7-141351356-G-A.
Other names: short protein forms V360M.
Identifiers: ClinVar variation 2198894 (VCV002198894.4), dbSNP rs1016550867, ClinGen allele CA168065497.

ClinVar aggregate classification (germline): Uncertain significance (1 of 4 stars; one submission).

Conditions:
Cataract 38. Also called: Cataract, autosomal recessive congenital 5; Cataract 38, autosomal recessive. Identifiers: Orphanet 91492, MedGen C3553494, MONDO:0013859, OMIM 614691.
Sengers syndrome. Also called: MITOCHONDRIAL DNA DEPLETION SYNDROME 10 (CARDIOMYOPATHIC TYPE); Cardiomyopathy and cataract. Identifiers: Orphanet 1369, MedGen C1859317, MONDO:0008922, OMIM 212350.

Allele frequency attached by ClinVar (database versions not stated): gnomAD 0.00001; gnomAD exomes 0.00001; TOPMed 0.00003.

Submission:

Labcorp Genetics (formerly Invitae), Labcorp
Classification: Uncertain significance for Sengers syndrome; Cataract 38. Last evaluated: 2023-10-13. Review status: criteria provided, single submitter. Criteria: Invitae Variant Classification Sherloc (09022015). Collection method: clinical testing. Allele origin: germline.
Comment: This sequence change replaces valine, which is neutral and non-polar, with methionine, which is neutral and non-polar, at codon 360 of the AGK protein (p.Val360Met). This variant is present in population databases (no rsID available, gnomAD 0.007%). This variant has not been reported in the literature in individuals affected with AGK-related conditions. ClinVar contains an entry for this variant (Variation ID: 2198894). Advanced modeling of protein sequence and biophysical properties (such as structural, functional, and spatial information, amino acid conservation, physicochemical variation, residue mobility, and thermodynamic stability) performed at Invitae indicates that this missense variant is not expected to disrupt AGK protein function. In summary, the available evidence is currently insufficient to determine the role of this variant in disease. Therefore, it has been classified as a Variant of Uncertain Significance.